The following is an entry in ClinVar:

ClinVar aggregate classification (germline): Uncertain significance. Review status: criteria provided, multiple submitters, no conflicts (2 of 4 stars). 2 submissions from 2 submitters: Uncertain significance (2). Last evaluated 2025-05-13.

Submissions (2):

Labcorp Genetics (formerly Invitae), Labcorp
Classification: Uncertain significance. Last evaluated: 2025-05-13. Review status: criteria provided, single submitter. Criteria: Invitae Variant Classification Sherloc (09022015). Collection method: clinical testing. Allele origin: germline.
Comment: This sequence change creates a premature translational stop signal (p.Gln1328*) in the SAMD9 gene. While this is not anticipated to result in nonsense mediated decay, it is expected to disrupt the last 262 amino acid(s) of the SAMD9 protein. This variant is not present in population databases (gnomAD no frequency). This variant has not been reported in the literature in individuals affected with SAMD9-related conditions. ClinVar contains an entry for this variant (Variation ID: 3011210). Experimental studies and prediction algorithms are not available or were not evaluated, and the functional significance of this variant is currently unknown. In summary, the available evidence is currently insufficient to determine the role of this variant in disease. Therefore, it has been classified as a Variant of Uncertain Significance.

GeneDx
Classification: Uncertain significance. Last evaluated: 2024-05-07. Review status: criteria provided, single submitter. Criteria: GeneDx Variant Classification Process June 2021. Collection method: clinical testing. Allele origin: germline. Affected: yes.
Comment: Nonsense variant predicted to result in protein truncation as the last 262 amino acids are lost, in a gene for which loss of function is not an established mechanism of disease; Not observed at significant frequency in large population cohorts (gnomAD); Has not been previously published as pathogenic or benign to our knowledge; This variant is associated with the following publications: (PMID: 28545555)

NM_017654.4(SAMD9):c.3982C>T (p.Gln1328Ter)

Gene: SAMD9 (sterile alpha motif domain containing 9; minus strand). Cytogenetic location: 7q21.2.
Variant type: single nucleotide variant.
Coding change: c.3982C>T on transcript NM_017654.4 (MANE Select); coding-DNA position 3982, C replaced by T.
Protein change: p.Gln1328Ter; replaces glutamine 1328 with a stop codon.
Molecular consequence: nonsense.
Genome position (GRCh38, 1-based): chr7:93,102,116, G>A on the plus strand (C>T on the coding strand, the complement: SAMD9 is on the minus strand). VCF-style: chr7-93102116-G-A. GRCh37 (hg19) VCF-style: chr7-92731429-G-A.
Other names: c.3982C>T, p.Gln1328Ter (NM_001193307.2); c.3982C>T (NM_017654.3); short protein forms Q1328*.
Identifiers: ClinVar variation 3011210 (VCV003011210.4), dbSNP rs2535354302, ClinGen allele CA368181405.